The following continues an entry in ClinVar:

NM_024426.6(WT1):c.1400G>A (p.Arg467Gln)

Gene: WT1. ClinVar aggregate classification (germline): Pathogenic/Likely pathogenic. Pathogenic (8); Likely pathogenic (3). ClinVar aggregate classification (somatic clinical impact): Tier I - Strong.

Submissions 10 to 12 of 12:

Fulgent Genetics
Classification: Pathogenic for Aniridia 1; Frasier syndrome; Mesothelioma, malignant; Wilms tumor 1; 11p partial monosomy syndrome; Drash syndrome; Nephrotic syndrome, type 4; Meacham syndrome. Last evaluated: 2021-12-11. Review status: criteria provided, single submitter. Criteria: ACMG Guidelines, 2015. Collection method: clinical testing. Allele origin: unknown.

Athena Diagnostics
Classification: Pathogenic. Last evaluated: 2021-05-26. Review status: criteria provided, single submitter. Criteria: Athena Diagnostics Criteria. Collection method: clinical testing. Allele origin: unknown.
Comment: Additionally, it has been identified in multiple affected individuals (PMID: 16932893, 11322369, 1655284, 1338906, 21125408, 30963316, 9607189, 9475094). Assessment of experimental evidence suggests this variant results in abnormal protein function (PMID 8810912). This variant has not been reported in large, multi-ethnic general populations. At least one other missense variant at this codon is considered to be pathogenic or likely pathogenic. Computational tools yielded predictions that this amino acid change may be damaging to the protein. This observation is not an independent occurrence and has been identified in the same individual by RCIGM, the other laboratory participating in the GEMINI study.

Genome Diagnostics Laboratory, The Hospital for Sick Children
Classification: Likely pathogenic for Kidney disorder. Last evaluated: 2017-08-22. Review status: criteria provided, single submitter. Criteria: ACMG Guidelines, 2015. Collection method: clinical testing. Allele origin: germline.

Literature cited by the submitters: PubMed 8268188 (cited by Institute for Genomic Medicine (IGM) Clinical Laboratory, Nationwide Children's Hospital); PubMed 24713986 (cited by Institute for Genomic Medicine (IGM) Clinical Laboratory, Nationwide Children's Hospital); PubMed 28825729 (cited by Institute for Genomic Medicine (IGM) Clinical Laboratory, Nationwide Children's Hospital); PubMed 26892980 (cited by Institute for Genomic Medicine (IGM) Clinical Laboratory, Nationwide Children's Hospital); PubMed 9529364 (cited by Labcorp Genetics (formerly Invitae), Labcorp and 3billion); PubMed 9745866 (cited by Labcorp Genetics (formerly Invitae), Labcorp); PubMed 21508141 (cited by Labcorp Genetics (formerly Invitae), Labcorp); PubMed 25818337 (cited by Labcorp Genetics (formerly Invitae), Labcorp); PubMed 26248470 (cited by Labcorp Genetics (formerly Invitae), Labcorp and Victorian Clinical Genetics Services, Murdoch Childrens Research Institute); PubMed 28780565 (cited by Labcorp Genetics (formerly Invitae), Labcorp); PubMed 29474669 (cited by Labcorp Genetics (formerly Invitae), Labcorp); PubMed 30963316 (cited by Labcorp Genetics (formerly Invitae), Labcorp and Victorian Clinical Genetics Services, Murdoch Childrens Research Institute); PubMed 32604935 (cited by Labcorp Genetics (formerly Invitae), Labcorp); PubMed 34490048 (cited by Labcorp Genetics (formerly Invitae), Labcorp); PubMed 1327525 (cited by Labcorp Genetics (formerly Invitae), Labcorp); PubMed 1338906 (cited by Labcorp Genetics (formerly Invitae), Labcorp); PubMed 1655284 (cited by Labcorp Genetics (formerly Invitae), Labcorp); PubMed 15509792 (cited by Labcorp Genetics (formerly Invitae), Labcorp); PubMed 17853480 (cited by Labcorp Genetics (formerly Invitae), Labcorp); PubMed 23715653 (cited by Labcorp Genetics (formerly Invitae), Labcorp); PubMed 1302008 (cited by 3billion); PubMed 25349199 (cited by Victorian Clinical Genetics Services, Murdoch Childrens Research Institute); PubMed 32891756 (cited by Victorian Clinical Genetics Services, Murdoch Childrens Research Institute).